The following is an entry in ClinVar:

ClinVar aggregate classification (germline): Uncertain significance (1 of 4 stars; one submission).

Conditions:
Perlman syndrome (PRLMNS). Identifiers: Orphanet 2849, MedGen C0796113, MONDO:0009965, OMIM 267000.

Submission:

Labcorp Genetics (formerly Invitae), Labcorp
Classification: Uncertain significance for Perlman syndrome. Last evaluated: 2024-04-05. Review status: criteria provided, single submitter. Criteria: Invitae Variant Classification Sherloc (09022015). Collection method: clinical testing. Allele origin: germline.
Comment: This sequence change replaces glycine, which is neutral and non-polar, with alanine, which is neutral and non-polar, at codon 327 of the DIS3L2 protein (p.Gly327Ala). This variant is not present in population databases (gnomAD no frequency). This variant has not been reported in the literature in individuals affected with DIS3L2-related conditions. ClinVar contains an entry for this variant (Variation ID: 960116). Advanced modeling of protein sequence and biophysical properties (such as structural, functional, and spatial information, amino acid conservation, physicochemical variation, residue mobility, and thermodynamic stability) has been performed at Invitae for this missense variant, however the output from this modeling did not meet the statistical confidence thresholds required to predict the impact of this variant on DIS3L2 protein function. In summary, the available evidence is currently insufficient to determine the role of this variant in disease. Therefore, it has been classified as a Variant of Uncertain Significance.

NM_152383.5(DIS3L2):c.980G>C (p.Gly327Ala)

Gene: DIS3L2 (DIS3 like 3'-5' exoribonuclease 2; plus strand). Cytogenetic location: 2q37.1.
Variant type: single nucleotide variant.
Coding change: c.980G>C on transcript NM_152383.5 (MANE Select); coding-DNA position 980, G replaced by C.
Protein change: p.Gly327Ala; replaces glycine 327 with alanine.
Molecular consequence: missense variant. On other transcripts: non-coding transcript variant (2).
Genome position (GRCh38, 1-based): chr2:232,163,488, G>C. VCF-style: chr2-232163488-G-C. GRCh37 (hg19) VCF-style: chr2-233028198-G-C.
Other names: c.980G>C, p.Gly327Ala (NM_001257281.2); short protein forms G327A.
Identifiers: ClinVar variation 960116 (VCV000960116.9), dbSNP rs1690714602, ClinGen allele CA351154217.